The following is an entry in ClinVar:

ClinVar aggregate classification (germline): Uncertain significance. Review status: criteria provided, multiple submitters, no conflicts (2 of 4 stars). 2 submissions from 2 submitters: Uncertain significance (2). Last evaluated 2023-02-21.

Conditions:
Inborn genetic diseases. Identifiers: MedGen C0950123, MeSH D030342.

Allele frequency attached by ClinVar (database versions not stated): gnomAD exomes below 0.00001; TOPMed 0.00002; ESP Exome Variant Server 0.00009.
gnomAD v4.1: 3 of 1,209,393 alleles (0.00025%); highest among the groups gnomAD compares: Non-Finnish European, 0.00022%; no homozygotes.

Submissions (2):

Labcorp Genetics (formerly Invitae), Labcorp
Classification: Uncertain significance. Last evaluated: 2023-02-21. Review status: criteria provided, single submitter. Criteria: Invitae Variant Classification Sherloc (09022015). Collection method: clinical testing. Allele origin: germline.
Comment: Advanced modeling of protein sequence and biophysical properties (such as structural, functional, and spatial information, amino acid conservation, physicochemical variation, residue mobility, and thermodynamic stability) performed at Invitae indicates that this missense variant is not expected to disrupt PLS3 protein function. This variant has not been reported in the literature in individuals affected with PLS3-related conditions. This variant is present in population databases (rs369914417, gnomAD 0.001%), including at least one homozygous and/or hemizygous individual. This sequence change replaces serine, which is neutral and polar, with glycine, which is neutral and non-polar, at codon 293 of the PLS3 protein (p.Ser293Gly). In summary, the available evidence is currently insufficient to determine the role of this variant in disease. Therefore, it has been classified as a Variant of Uncertain Significance.

Ambry Genetics
Classification: Uncertain significance for Inborn genetic diseases. Last evaluated: 2022-04-25. Review status: criteria provided, single submitter. Criteria: Ambry Variant Classification Scheme 2023. Collection method: clinical testing. Allele origin: germline.

NM_005032.7(PLS3):c.877A>G (p.Ser293Gly)

Gene: PLS3 (plastin 3; plus strand). Cytogenetic location: Xq23.
Variant type: single nucleotide variant.
Coding change: c.877A>G on transcript NM_005032.7 (MANE Select); coding-DNA position 877, A replaced by G.
Protein change: p.Ser293Gly; replaces serine 293 with glycine.
Molecular consequence: missense variant.
Genome position (GRCh38, 1-based): chrX:115,636,964, A>G. VCF-style: chrX-115636964-A-G. GRCh37 (hg19) VCF-style: chrX-114871276-A-G.
Other names: c.877A>G, p.Ser293Gly (NM_001136025.5); c.796A>G, p.Ser266Gly (NM_001172335.3); c.811A>G, p.Ser271Gly (NM_001282337.2); c.742A>G, p.Ser248Gly (NM_001282338.2); short protein forms S266G, S293G, S248G, S271G.
Identifiers: ClinVar variation 2286112 (VCV002286112.5), dbSNP rs369914417, ClinGen allele CA334698246.
Genomic context (GRCh38, chrX:115,636,964, plus strand): 5'-CTGCTTAGATGGGCAAACTTTCATTTGGAAAACTCGGGCTGGCAAAAAATTAACAACTTT[A>G]GTGCTGACATCAAGGTAACTGTTGAAAGAATCACAACATTTTGGGGGGATATAATAGCTG-3'
Protein context (NP_005023.2, residues 283-303): NSGWQKINNF[Ser293Gly]ADIKDSKAYF